The following is an entry in ClinVar:

ClinVar aggregate classification (germline): Uncertain significance (1 of 4 stars; one submission).

Allele frequency attached by ClinVar (database versions not stated): gnomAD 0.00001; TOPMed 0.00002; gnomAD exomes 0.00004; ExAC 0.00005; 1000 Genomes Project 30x 0.00016; 1000 Genomes Project 0.00020.
gnomAD v4.1: 13 of 1,613,218 alleles (0.00081%); highest among the groups gnomAD compares: East Asian, 0.027%; no homozygotes.

Submission:

Labcorp Genetics (formerly Invitae), Labcorp
Classification: Uncertain significance. Last evaluated: 2024-12-02. Review status: criteria provided, single submitter. Criteria: Invitae Variant Classification Sherloc (09022015). Collection method: clinical testing. Allele origin: germline.
Comment: This sequence change replaces alanine, which is neutral and non-polar, with serine, which is neutral and polar, at codon 913 of the MYO5B protein (p.Ala913Ser). This variant is present in population databases (rs564864501, gnomAD 0.06%). This variant has not been reported in the literature in individuals affected with MYO5B-related conditions. ClinVar contains an entry for this variant (Variation ID: 1381575). Invitae Evidence Modeling of protein sequence and biophysical properties (such as structural, functional, and spatial information, amino acid conservation, physicochemical variation, residue mobility, and thermodynamic stability) indicates that this missense variant is not expected to disrupt MYO5B protein function with a negative predictive value of 80%. In summary, the available evidence is currently insufficient to determine the role of this variant in disease. Therefore, it has been classified as a Variant of Uncertain Significance.

NM_001080467.3(MYO5B):c.2737G>T (p.Ala913Ser)

Gene: MYO5B (myosin VB; minus strand). Cytogenetic location: 18q21.1.
Variant type: single nucleotide variant.
Coding change: c.2737G>T on transcript NM_001080467.3 (MANE Select); coding-DNA position 2737, G replaced by T.
Protein change: p.Ala913Ser; replaces alanine 913 with serine.
Molecular consequence: missense variant.
Genome position (GRCh38, 1-based): chr18:49,902,668, C>A on the plus strand (G>T on the coding strand, the complement: MYO5B is on the minus strand). VCF-style: chr18-49902668-C-A. GRCh37 (hg19) VCF-style: chr18-47429038-C-A.
Other names: short protein forms A913S.
Identifiers: ClinVar variation 1381575 (VCV001381575.5), dbSNP rs564864501, ClinGen allele CA8960965.
Genomic context (GRCh38, chr18:49,902,668, plus strand): 5'-TCCGCTGCAGCTGGACCACCTTGTTCTCCATGCCCACGTTGAGACGTTTCAGATGCTCTG[C>A]TGAGCGGGCCTCAATCCTGAGGGCCTTCAGCTCCCGCCTGGCCTTGAGCATCCGGAAGGC-3'
Protein context (NP_001073936.1, residues 903-923): LKALRIEARS[Ala913Ser]EHLKRLNVGM